The following is an entry in ClinVar:

NM_000188.3(HK1):c.1737C>T (p.Val579=)

Gene: HK1 (hexokinase 1; plus strand). Cytogenetic location: 10q22.1.
Variant type: single nucleotide variant.
Coding change: c.1737C>T on transcript NM_000188.3 (MANE Select); coding-DNA position 1737, C replaced by T.
Protein change: p.Val579=; no amino-acid change (valine 579 retained).
Molecular consequence: synonymous variant.
Genome position (GRCh38, 1-based): chr10:69,384,813, C>T. VCF-style: chr10-69384813-C-T. GRCh37 (hg19) VCF-style: chr10-71144569-C-T.
Other names: c.1749C>T, p.Val583= (NM_001322364.2, NM_001358263.1, NM_033497.3 and 1 more transcripts); c.1842C>T, p.Val614= (NM_001322365.2); c.1653C>T, p.Val551= (NM_001322366.1); c.1641C>T, p.Val547= (NM_001322367.1); c.1734C>T, p.Val578= (NM_033496.3); c.1701C>T, p.Val567= (NM_033500.2); c.1737C>T (NM_000188.2).
Identifiers: ClinVar variation 1916086 (VCV001916086.6), dbSNP rs777974873, ClinGen allele CA5532678.

ClinVar aggregate classification (germline): Likely benign. Review status: criteria provided, multiple submitters, no conflicts (2 of 4 stars). 2 submissions from 2 submitters: Likely benign (2). Last evaluated 2026-09-15.

Conditions:
HK1-related disorder. Also called: HK1-related condition; HK1-related disorders.

Allele frequency attached by ClinVar (database versions not stated): gnomAD exomes 0.00001; ExAC 0.00002.
gnomAD v4.1: 20 of 1,614,098 alleles (0.0012%); highest among the groups gnomAD compares: African/African-American, 0.02%; no homozygotes.

Submissions (2):

PreventionGenetics, part of Exact Sciences
Classification: Likely benign for HK1-related condition. Last evaluated: 2026-09-15. Review status: criteria provided, single submitter. Criteria: ACMG Guidelines, 2015. Collection method: clinical testing. Allele origin: germline.
Comment: This variant is classified as likely benign based on ACMG/AMP sequence variant interpretation guidelines (Richards et al. 2015 PMID: 25741868, with internal and published modifications).

Labcorp Genetics (formerly Invitae), Labcorp
Classification: Likely benign. Last evaluated: 2022-02-25. Review status: criteria provided, single submitter. Criteria: Invitae Variant Classification Sherloc (09022015). Collection method: clinical testing. Allele origin: germline.